The following is an entry in ClinVar:

NM_015909.4(NBAS):c.5044G>T (p.Val1682Phe)

Gene: NBAS (NBAS subunit of NRZ tethering complex; minus strand). Cytogenetic location: 2p24.3.
Variant type: single nucleotide variant.
Coding change: c.5044G>T on transcript NM_015909.4 (MANE Select); coding-DNA position 5044, G replaced by T.
Protein change: p.Val1682Phe; replaces valine 1682 with phenylalanine.
Molecular consequence: missense variant. On other transcripts: non-coding transcript variant (1).
Genome position (GRCh38, 1-based): chr2:15,287,167, C>A on the plus strand (G>T on the coding strand, the complement: NBAS is on the minus strand). VCF-style: chr2-15287167-C-A. GRCh37 (hg19) VCF-style: chr2-15427291-C-A.
Other names: short protein forms V1682F.
Identifiers: ClinVar variation 1956955 (VCV001956955.5), dbSNP rs371029230, ClinGen allele CA345887023.

ClinVar aggregate classification (germline): Uncertain significance (1 of 4 stars; one submission).

gnomAD v4.1: 1 of 1,613,718 alleles (0.000062%); highest among the groups gnomAD compares: Admixed American, 0.0017%; no homozygotes.

Submission:

Labcorp Genetics (formerly Invitae), Labcorp
Classification: Uncertain significance. Last evaluated: 2024-07-08. Review status: criteria provided, single submitter. Criteria: Invitae Variant Classification Sherloc (09022015). Collection method: clinical testing. Allele origin: germline.
Comment: This sequence change replaces valine, which is neutral and non-polar, with phenylalanine, which is neutral and non-polar, at codon 1682 of the NBAS protein (p.Val1682Phe). This variant is not present in population databases (gnomAD no frequency). This variant has not been reported in the literature in individuals affected with NBAS-related conditions. ClinVar contains an entry for this variant (Variation ID: 1956955). Advanced modeling of protein sequence and biophysical properties (such as structural, functional, and spatial information, amino acid conservation, physicochemical variation, residue mobility, and thermodynamic stability) performed at Invitae indicates that this missense variant is not expected to disrupt NBAS protein function with a negative predictive value of 95%. In summary, the available evidence is currently insufficient to determine the role of this variant in disease. Therefore, it has been classified as a Variant of Uncertain Significance.